The following is an entry in ClinVar:

NM_022455.5(NSD1):c.2528A>T (p.His843Leu)

Gene: NSD1 (nuclear receptor binding SET domain protein 1; plus strand). Cytogenetic location: 5q35.3.
Variant type: single nucleotide variant.
Coding change: c.2528A>T on transcript NM_022455.5 (MANE Select); coding-DNA position 2528, A replaced by T.
Protein change: p.His843Leu; replaces histidine 843 with leucine.
Molecular consequence: missense variant.
Genome position (GRCh38, 1-based): chr5:177,210,927, A>T. VCF-style: chr5-177210927-A-T. GRCh37 (hg19) VCF-style: chr5-176637928-A-T.
Other names: c.1655A>T, p.His552Leu (NM_001365684.2, NM_001409306.1, NM_001409307.1 and 3 more transcripts); c.2528A>T, p.His843Leu (NM_001409301.1, NM_001409302.1, NM_001409303.1); c.2108A>T, p.His703Leu (NM_001409304.1); c.1775A>T, p.His592Leu (NM_001409305.1); short protein forms H552L, H592L, H703L, H843L.
Identifiers: ClinVar variation 2662252 (VCV002662252.1), dbSNP rs1372764641, ClinGen allele CA362318534.

ClinVar aggregate classification (germline): Uncertain significance (1 of 4 stars; one submission).

Allele frequency attached by ClinVar (database versions not stated): TOPMed 0.00001.
gnomAD v4.1: 1 of 1,614,106 alleles (0.000062%); highest among the groups gnomAD compares: Admixed American, 0.0017%; no homozygotes.

Submission:

GeneDx
Classification: Uncertain significance. Last evaluated: 2023-05-15. Review status: criteria provided, single submitter. Criteria: GeneDx Variant Classification Process June 2021. Collection method: clinical testing. Allele origin: germline. Affected: yes.
Comment: Not observed at significant frequency in large population cohorts (gnomAD); In silico analysis supports that this missense variant has a deleterious effect on protein structure/function; Has not been previously published as pathogenic or benign to our knowledge